The following is an entry in ClinVar:

NM_013247.5(HTRA2):c.507-10_507-9delinsAA

Genes: HTRA2 (HtrA serine peptidase 2; plus strand), LOC129934140 (ATAC-STARR-seq lymphoblastoid active region 16072; plus strand). Cytogenetic location: 2p13.1.
Variant type: Indel.
Coding change: c.507-10_507-9delinsAA on transcript NM_013247.5 (MANE Select); 10 bases into the intron before coding-DNA position 507 through 9 bases into the intron before coding-DNA position 507, TC replaced by AA.
Molecular consequence: intron variant.
Genome position (GRCh38, 1-based): chr2:74,530,607-74,530,608, TC replaced by AA. VCF-style: chr2-74530607-TC-AA. GRCh37 (hg19) VCF-style: chr2-74757734-TC-AA.
Other names: c.507-10_507-9delinsAA (NM_001321728.1, NM_145074.2, NM_001321727.1).
Identifiers: ClinVar variation 2970683 (VCV002970683.3), dbSNP rs2529882965, ClinGen allele CA2740095660.

ClinVar aggregate classification (germline): Uncertain significance (1 of 4 stars; one submission).

Submission:

Labcorp Genetics (formerly Invitae), Labcorp
Classification: Uncertain significance. Last evaluated: 2024-11-19. Review status: criteria provided, single submitter. Criteria: Invitae Variant Classification Sherloc (09022015). Collection method: clinical testing. Allele origin: germline.
Comment: This sequence change falls in intron 1 of the HTRA2 gene. It does not directly change the encoded amino acid sequence of the HTRA2 protein. Information on the frequency of this variant in the gnomAD database is not available, as this variant may be reported differently in the database. This variant has not been reported in the literature in individuals affected with HTRA2-related conditions. ClinVar contains an entry for this variant (Variation ID: 2970683). In summary, the available evidence is currently insufficient to determine the role of this variant in disease. Therefore, it has been classified as a Variant of Uncertain Significance.